The following is an entry in ClinVar:

ClinVar aggregate classification (germline): Likely benign. Review status: criteria provided, multiple submitters, no conflicts (2 of 4 stars). 6 submissions from 6 submitters: Likely benign (6). Last evaluated 2026-07-09.

Conditions:
Cardiovascular phenotype. Identifiers: MedGen CN230736.
Hypertrophic cardiomyopathy 11. Also called: ACTC1-Related Familial Hypertrophic Cardiomyopathy. Identifiers: MedGen C2677506, MONDO:0012799, OMIM 612098.
Dilated cardiomyopathy 1R (CMD1R). Identifiers: Orphanet 154, Orphanet 54260, MedGen C3150681, MONDO:0013261, OMIM 613424.
Atrial septal defect 5 (ASD5). Identifiers: Orphanet 1478, MedGen C2748552, MONDO:0013011, OMIM 612794.
Cardiomyopathy (CMYO). Also called: Cardiomyopathies. Identifiers: Orphanet 167848, MedGen C0878544, MONDO:0004994, HP:0001638. Inheritance: Various modes of inheritance.
Hypertrophic cardiomyopathy. Also called: HYPERTROPHIC MYOCARDIOPATHY. Identifiers: Orphanet 217569, MedGen C0007194, MeSH D002312, MONDO:0005045, HP:0001639.

Allele frequency attached by ClinVar (database versions not stated): gnomAD exomes 0.00002 and 0.00001; TOPMed below 0.00001; ExAC 0.00001.
gnomAD v4.1: 12 of 1,614,136 alleles (0.00074%); highest among the groups gnomAD compares: Admixed American, 0.0017%; no homozygotes.

Submissions (6):

Ambry Genetics
Classification: Likely benign for Cardiovascular phenotype. Last evaluated: 2026-07-09. Review status: criteria provided, single submitter. Criteria: Ambry Variant Classification Scheme 2023. Collection method: clinical testing. Allele origin: germline.

Molecular Diagnostic Laboratory for Inherited Cardiovascular Disease, Montreal Heart Institute
Classification: Likely benign. Last evaluated: 2026-03-27. Review status: criteria provided, single submitter. Criteria: ACMG Guidelines, 2015. Collection method: clinical testing. Allele origin: germline. Affected: no.
Comment: BP7

Labcorp Genetics (formerly Invitae), Labcorp
Classification: Likely benign for Dilated cardiomyopathy 1R; Hypertrophic cardiomyopathy 11; Atrial septal defect 5. Last evaluated: 2025-11-21. Review status: criteria provided, single submitter. Criteria: Invitae Variant Classification Sherloc (09022015). Collection method: clinical testing. Allele origin: germline.

All of Us Research Program, National Institutes of Health
Classification: Likely benign for Hypertrophic cardiomyopathy. Last evaluated: 2023-12-13. Review status: criteria provided, single submitter. Criteria: ACMG Guidelines, 2015. Collection method: clinical testing. Allele origin: germline. Inheritance: Autosomal dominant inheritance. Observed: 4 variant alleles, 4 heterozygotes.
Comment: This study involves interpretation of variants in research participants for the purpose of population health screening. Participant phenotype was not available at the time of variant classification. Additional details can be found in publication PMID: 35346344, PMCID: PMC8962531

Fulgent Genetics
Classification: Likely benign for Hypertrophic cardiomyopathy 11; Atrial septal defect 5; Dilated cardiomyopathy 1R. Last evaluated: 2021-08-10. Review status: criteria provided, single submitter. Criteria: ACMG Guidelines, 2015. Collection method: clinical testing. Allele origin: unknown.

Color Diagnostics, LLC DBA Color Health
Classification: Likely benign for Cardiomyopathy. Last evaluated: 2019-06-03. Review status: criteria provided, single submitter. Criteria: ACMG Guidelines, 2015. Collection method: clinical testing. Allele origin: germline.

NM_005159.5(ACTC1):c.456C>T (p.Gly152=)

Genes: GJD2-DT (GJD2 divergent transcript; plus strand), ACTC1 (actin alpha cardiac muscle 1; minus strand). Cytogenetic location: 15q14.
Variant type: single nucleotide variant.
Coding change: c.456C>T on transcript NM_005159.5 (MANE Select); coding-DNA position 456, C replaced by T.
Protein change: p.Gly152=; no amino-acid change (glycine 152 retained).
Molecular consequence: synonymous variant.
Genome position (GRCh38, 1-based): chr15:34,792,568, G>A on the plus strand (C>T on the coding strand, the complement: ACTC1 is on the minus strand). VCF-style: chr15-34792568-G-A. GRCh37 (hg19) VCF-style: chr15-35084769-G-A.
Other names: c.456C>T (LRG_388t1).
Identifiers: ClinVar variation 240100 (VCV000240100.15), dbSNP rs771310484, ClinGen allele CA041990.